The following is an entry in ClinVar:

NM_000057.4(BLM):c.1165G>C (p.Asp389His)

Gene: BLM (BLM RecQ like helicase; plus strand). Cytogenetic location: 15q26.1.
Variant type: single nucleotide variant.
Coding change: c.1165G>C on transcript NM_000057.4 (MANE Select); coding-DNA position 1165, G replaced by C.
Protein change: p.Asp389His; replaces aspartic acid 389 with histidine.
Molecular consequence: missense variant.
Genome position (GRCh38, 1-based): chr15:90,760,224, G>C. VCF-style: chr15-90760224-G-C. GRCh37 (hg19) VCF-style: chr15-91303454-G-C.
Other names: c.1165G>C, p.Asp389His (NM_001287246.2, NM_001287247.2); c.40G>C, p.Asp14His (NM_001287248.2); short protein forms D389H, D14H.
Identifiers: ClinVar variation 1468386 (VCV001468386.10), dbSNP rs746170218, ClinGen allele CA7738476.

ClinVar aggregate classification (germline): Uncertain significance. Review status: criteria provided, multiple submitters, no conflicts (2 of 4 stars). 2 submissions from 2 submitters: Uncertain significance (2). Last evaluated 2026-01-13.

Conditions:
Hereditary cancer-predisposing syndrome. Also called: Tumor predisposition; Hereditary Cancer Syndrome; Hereditary neoplastic syndrome; Neoplastic Syndromes, Hereditary. Identifiers: Orphanet 140162, MedGen C0027672, MeSH D009386, MONDO:0015356.
Bloom syndrome (BLM). Also called: Bloom-Torre-Machacek syndrome. Identifiers: Orphanet 125, MedGen C0005859, MONDO:0008876, OMIM 210900.

Allele frequency attached by ClinVar (database versions not stated): gnomAD exomes below 0.00001; ExAC 0.00002.
gnomAD v4.1: 2 of 1,613,966 alleles (0.00012%); no homozygotes.

Submissions (2):

Labcorp Genetics (formerly Invitae), Labcorp
Classification: Uncertain significance for Bloom syndrome. Last evaluated: 2026-01-13. Review status: criteria provided, single submitter. Criteria: Invitae Variant Classification Sherloc (09022015). Collection method: clinical testing. Allele origin: germline.
Comment: This sequence change replaces aspartic acid, which is acidic and polar, with histidine, which is basic and polar, at codon 389 of the BLM protein (p.Asp389His). This variant is present in population databases (rs746170218, gnomAD 0.01%). This variant has not been reported in the literature in individuals affected with BLM-related conditions. ClinVar contains an entry for this variant (Variation ID: 1468386). Invitae Evidence Modeling of protein sequence and biophysical properties (such as structural, functional, and spatial information, amino acid conservation, physicochemical variation, residue mobility, and thermodynamic stability) indicates that this missense variant is not expected to disrupt BLM protein function with a negative predictive value of 80%. In summary, the available evidence is currently insufficient to determine the role of this variant in disease. Therefore, it has been classified as a Variant of Uncertain Significance.

Ambry Genetics
Classification: Uncertain significance for Hereditary cancer-predisposing syndrome. Last evaluated: 2022-04-30. Review status: criteria provided, single submitter. Criteria: Ambry Variant Classification Scheme 2023. Collection method: clinical testing. Allele origin: germline.
Comment: The p.D389H variant (also known as c.1165G>C), located in coding exon 5 of the BLM gene, results from a G to C substitution at nucleotide position 1165. The aspartic acid at codon 389 is replaced by histidine, an amino acid with similar properties. This amino acid position is conserved. In addition, this alteration is predicted to be tolerated by in silico analysis. Since supporting evidence is limited at this time, the clinical significance of this alteration remains unclear.